The following is an entry in ClinVar:

ClinVar aggregate classification (germline): Uncertain significance (1 of 4 stars; one submission).

Submission:

CeGaT Center for Human Genetics Tuebingen
Classification: Uncertain significance. Last evaluated: 2024-02-01. Review status: criteria provided, single submitter. Criteria: CeGaT Center For Human Genetics Tuebingen Variant Classification Criteria Version 2. Collection method: clinical testing. Allele origin: germline. Affected: yes. Observed: 1 variant allele.
Comment: KDM6B: PM2, BP4

NM_001348716.2(KDM6B):c.382C>G (p.Arg128Gly)

Gene: KDM6B (lysine demethylase 6B; plus strand). Cytogenetic location: 17p13.1.
Variant type: single nucleotide variant.
Coding change: c.382C>G on transcript NM_001348716.2 (MANE Select); coding-DNA position 382, C replaced by G.
Protein change: p.Arg128Gly; replaces arginine 128 with glycine.
Molecular consequence: missense variant.
Genome position (GRCh38, 1-based): chr17:7,846,223, C>G. VCF-style: chr17-7846223-C-G. GRCh37 (hg19) VCF-style: chr17-7749541-C-G.
Other names: c.382C>G, p.Arg128Gly (NM_001080424.2); short protein forms R128G.
Identifiers: ClinVar variation 3026494 (VCV003026494.22), dbSNP rs773758995, ClinGen allele CA397911280.